The following is an entry in ClinVar:

ClinVar aggregate classification (germline): Likely pathogenic (1 of 4 stars; one submission).

Conditions:
Coffin-Siris syndrome 5 (CSS5). Identifiers: Orphanet 1465, MedGen C4310788, MONDO:0014838, OMIM 616938.

Submission:

MVZ Medizinische Genetik Mainz
Classification: Likely pathogenic for Coffin-Siris syndrome 5. Last evaluated: 2025-08-12. Review status: criteria provided, single submitter. Criteria: UK Practice Guidelines For Variant Classification V4 01 2020. Collection method: clinical testing. Allele origin: germline. Inheritance: Autosomal dominant inheritance. Affected: yes. Observed: 1 variant allele.
Comment: ACMG Criteria: PM1,PP3_MOD,PM2_SUP,PP2

NM_003079.5(SMARCE1):c.285G>C (p.Glu95Asp)

Gene: SMARCE1 (SWI/SNF related BAF chromatin remodeling complex subunit E1; minus strand). Cytogenetic location: 17q21.2.
Variant type: single nucleotide variant.
Coding change: c.285G>C on transcript NM_003079.5 (MANE Select); coding-DNA position 285, G replaced by C.
Protein change: p.Glu95Asp; replaces glutamic acid 95 with aspartic acid.
Molecular consequence: missense variant.
Genome position (GRCh38, 1-based): chr17:40,636,479, C>G on the plus strand (G>C on the coding strand, the complement: SMARCE1 is on the minus strand). VCF-style: chr17-40636479-C-G. GRCh37 (hg19) VCF-style: chr17-38792731-C-G.
Other names: short protein forms E95D.
Identifiers: ClinVar variation 4077082 (VCV004077082.1).
Genomic context (GRCh38, chr17:40,636,479, plus strand): 5'-ATATTCTTGTTTTTCTTCATCAGTGAGATCTCGCCACATGCCACCAATAATCTTGCCAAT[C>G]TCCCACAACTTTAGGTCAGGGTTGGAAGCCTTTACTTGGTCCCAGACCTTAAAAAGAAAA-3'
Protein context (NP_003070.3, residues 85-105): KASNPDLKLW[Glu95Asp]IGKIIGGMWR